The following is an entry in ClinVar:

ClinVar aggregate classification (germline): Uncertain significance (1 of 4 stars; one submission).

Conditions:
Carnitine palmitoyl transferase 1A deficiency. Also called: CPT I DEFICIENCY; CPT DEFICIENCY, HEPATIC, TYPE I; Carnitine palmitoyltransferase 1A deficiency; Carnitine palmitoyltransferase type I deficiency; CPT deficiency, hepatic, type IA. Identifiers: Orphanet 156, MedGen C1829703, MONDO:0009705, OMIM 255120.

gnomAD v4.1: 2 of 1,613,804 alleles (0.00012%); highest among the groups gnomAD compares: Admixed American, 0.0017%; no homozygotes.

Submission:

Labcorp Genetics (formerly Invitae), Labcorp
Classification: Uncertain significance for Carnitine palmitoyl transferase 1A deficiency. Last evaluated: 2025-06-24. Review status: criteria provided, single submitter. Criteria: Invitae Variant Classification Sherloc (09022015). Collection method: clinical testing. Allele origin: germline.
Comment: This sequence change replaces arginine, which is basic and polar, with cysteine, which is neutral and slightly polar, at codon 749 of the CPT1A protein (p.Arg749Cys). This variant is present in population databases (no rsID available, gnomAD 0.003%). This missense change has been observed in individual(s) with clinical features of carnitine palmitoyltransferase 1A deficiency (internal data). Invitae Evidence Modeling of protein sequence and biophysical properties (such as structural, functional, and spatial information, amino acid conservation, physicochemical variation, residue mobility, and thermodynamic stability) indicates that this missense variant is expected to disrupt CPT1A protein function with a positive predictive value of 95%. Algorithms developed to predict the effect of sequence changes on RNA splicing suggest that this variant may disrupt the consensus splice site. In summary, the available evidence is currently insufficient to determine the role of this variant in disease. Therefore, it has been classified as a Variant of Uncertain Significance.

NM_001876.4(CPT1A):c.2245C>T (p.Arg749Cys)

Gene: CPT1A (carnitine palmitoyltransferase 1A; minus strand). Cytogenetic location: 11q13.3.
Variant type: single nucleotide variant.
Coding change: c.2245C>T on transcript NM_001876.4 (MANE Select); coding-DNA position 2245, C replaced by T.
Protein change: p.Arg749Cys; replaces arginine 749 with cysteine.
Molecular consequence: missense variant. On other transcripts: intron variant (2).
Genome position (GRCh38, 1-based): chr11:68,757,721, G>A on the plus strand (C>T on the coding strand, the complement: CPT1A is on the minus strand). VCF-style: chr11-68757721-G-A. GRCh37 (hg19) VCF-style: chr11-68525189-G-A.
Other names: c.2245C>T, p.Arg749Cys (NM_001440358.1, NM_001440359.1); c.2152C>T, p.Arg718Cys (NM_001440362.1); c.2137C>T, p.Arg713Cys (NM_001440363.1); c.2092C>T, p.Arg698Cys (NM_001440364.1); c.2059C>T, p.Arg687Cys (NM_001440365.1); c.2235+1848C>T (NM_001031847.3, NM_001440360.1); short protein forms R713C, R698C, R749C, R687C, R718C.
Identifiers: ClinVar variation 4751484 (VCV004751484.1).